The following is an entry in ClinVar:

ClinVar aggregate classification (germline): Uncertain significance (1 of 4 stars; one submission).

Conditions:
Congenital myotonia, autosomal recessive form. Also called: Becker Generalized Myotonia; BECKER DISEASE; myotonia congenita, autosomal recessive. Identifiers: Orphanet 614, MedGen C0751360, MONDO:0009715, OMIM 255700.
Congenital myotonia, autosomal dominant form (THD). Also called: THOMSEN DISEASE; Myotonia congenita autosomal dominant. Identifiers: Orphanet 614, MedGen C2936781, MONDO:0008055, OMIM 160800.

Submission:

Labcorp Genetics (formerly Invitae), Labcorp
Classification: Uncertain significance for Congenital myotonia, autosomal recessive form; Congenital myotonia, autosomal dominant form. Last evaluated: 2020-11-24. Review status: criteria provided, single submitter. Criteria: Invitae Variant Classification Sherloc (09022015). Collection method: clinical testing. Allele origin: germline.
Comment: This sequence change falls in intron 1 of the CLCN1 gene. It does not directly change the encoded amino acid sequence of the CLCN1 protein. It affects a nucleotide within the consensus splice site of the intron. This variant is not present in population databases (ExAC no frequency). This variant has not been reported in the literature in individuals with CLCN1-related conditions. Nucleotide substitutions within the consensus splice site are a relatively common cause of aberrant splicing (PMID: 17576681, 9536098). Algorithms developed to predict the effect of sequence changes on RNA splicing suggest that this variant may disrupt the consensus splice site, but this prediction has not been confirmed by published transcriptional studies. In summary, the available evidence is currently insufficient to determine the role of this variant in disease. Therefore, it has been classified as a Variant of Uncertain Significance.

Literature cited by the submitters: PubMed 17576681; PubMed 9536098.

NM_000083.3(CLCN1):c.180+4A>G

Gene: CLCN1 (chloride voltage-gated channel 1; plus strand). Cytogenetic location: 7q34.
Variant type: single nucleotide variant.
Coding change: c.180+4A>G on transcript NM_000083.3 (MANE Select); 4 bases into the intron after coding-DNA position 180, A replaced by G.
Molecular consequence: intron variant.
Genome position (GRCh38, 1-based): chr7:143,316,396, A>G. VCF-style: chr7-143316396-A-G. GRCh37 (hg19) VCF-style: chr7-143013489-A-G.
Identifiers: ClinVar variation 1507926 (VCV001507926.1), dbSNP rs2116829759, ClinGen allele CA2573141771.